The following is an entry in ClinVar:

NM_000257.4(MYH7):c.3907C>T (p.Arg1303Ter)

Gene: MYH7 (myosin heavy chain 7; minus strand). Cytogenetic location: 14q11.2.
Variant type: single nucleotide variant.
Coding change: c.3907C>T on transcript NM_000257.4 (MANE Select); coding-DNA position 3907, C replaced by T.
Protein change: p.Arg1303Ter; replaces arginine 1303 with a stop codon.
Molecular consequence: nonsense.
Genome position (GRCh38, 1-based): chr14:23,419,242, G>A on the plus strand (C>T on the coding strand, the complement: MYH7 is on the minus strand). VCF-style: chr14-23419242-G-A. GRCh37 (hg19) VCF-style: chr14-23888451-G-A.
Other names: short protein forms R1303*.
Identifiers: ClinVar variation 581091 (VCV000581091.13), dbSNP rs1443114333, ClinGen allele CA389041636.

ClinVar aggregate classification (germline): Uncertain significance. Review status: criteria provided, multiple submitters, no conflicts (2 of 4 stars). 5 submissions from 5 submitters: Uncertain significance (5). Last evaluated 2025-04-02.

Conditions:
Cardiovascular phenotype. Identifiers: MedGen CN230736.
Cardiomyopathy (CMYO). Also called: Cardiomyopathies. Identifiers: Orphanet 167848, MedGen C0878544, MONDO:0004994, HP:0001638. Inheritance: Various modes of inheritance.
Hypertrophic cardiomyopathy. Also called: HYPERTROPHIC MYOCARDIOPATHY. Identifiers: Orphanet 217569, MedGen C0007194, MeSH D002312, MONDO:0005045, HP:0001639.

Allele frequency attached by ClinVar (database versions not stated): gnomAD exomes below 0.00001.
gnomAD v4.1: 4 of 1,614,102 alleles (0.00025%); highest among the groups gnomAD compares: South Asian, 0.0011%; no homozygotes.

Submissions (5):

Labcorp Genetics (formerly Invitae), Labcorp
Classification: Uncertain significance for Hypertrophic cardiomyopathy. Last evaluated: 2025-04-02. Review status: criteria provided, single submitter. Criteria: Invitae Variant Classification Sherloc (09022015). Collection method: clinical testing. Allele origin: germline.
Comment: This sequence change creates a premature translational stop signal (p.Arg1303*) in the MYH7 gene. It is expected to result in an absent or disrupted protein product. However, the current clinical and genetic evidence is not sufficient to establish whether loss-of-function variants in MYH7 cause disease. This variant is present in population databases (no rsID available, gnomAD 0.0009%). This premature translational stop signal has been observed in individual(s) with dilated cardiomyopathy (PMID: 25163546). ClinVar contains an entry for this variant (Variation ID: 581091). In summary, the available evidence is currently insufficient to determine the role of this variant in disease. Therefore, it has been classified as a Variant of Uncertain Significance.

Color Diagnostics, LLC DBA Color Health
Classification: Uncertain significance for Cardiomyopathy. Last evaluated: 2024-12-23. Review status: criteria provided, single submitter. Criteria: ACMG Guidelines, 2015. Collection method: clinical testing. Allele origin: germline.
Comment: This variant changes 1 nucleotide in exon 29 of the MYH7 gene, creating a premature translation stop signal. This variant is expected to result in an absent or non-functional protein product. This variant has been reported in an individual from a cohort including individuals affected with dilated cardiomyopathy (PMID: 25163546). This variant has been identified in 1/251452 chromosomes in the general population by the Genome Aggregation Database (gnomAD). Clinical relevance of loss-of-function MYH7 truncation variants in autosomal dominant cardiovascular disorders is not clearly established. The available evidence is insufficient to determine the role of this variant in disease conclusively. Therefore, this variant is classified as a Variant of Uncertain Significance.

Blueprint Genetics
Classification: Uncertain significance. Last evaluated: 2024-08-26. Review status: criteria provided, single submitter. Criteria: ACMG Guidelines, 2015. Collection method: clinical testing. Allele origin: germline.

GeneDx
Classification: Uncertain significance. Last evaluated: 2021-09-01. Review status: criteria provided, single submitter. Criteria: GeneDx Variant Classification Process June 2021. Collection method: clinical testing. Allele origin: germline. Affected: yes.
Comment: Reported in a cohort of patients with sporadic or familial dilated cardiomyopathy, but detailed clinical and segregation information were not provided (Haas et al., 2015); Not observed at significant frequency in large population cohorts (Lek et al., 2016); Nonsense variant predicted to result in protein truncation or nonsense mediated decay in a gene for which loss-of-function is not a known mechanism of disease; This variant is associated with the following publications: (PMID: 25163546)

Ambry Genetics
Classification: Uncertain significance for Cardiovascular phenotype. Last evaluated: 2021-03-30. Review status: criteria provided, single submitter. Criteria: Ambry Variant Classification Scheme 2023. Collection method: clinical testing. Allele origin: germline.
Comment: The p.R1303* variant (also known as c.3907C>T), located in coding exon 27 of the MYH7 gene, results from a C to T substitution at nucleotide position 3907. This changes the amino acid from an arginine to a stop codon within coding exon 27. This variant has been reported in a dilated cardiomyopathy cohort; however, clinical details were limited (Haas J et al. Eur Heart J, 2015 May;36:1123-35a). This alteration is expected to result in premature protein truncation or nonsense-mediated mRNA decay. However, loss of function of MYH7 has not been clearly established as a mechanism of disease. Since supporting evidence is limited at this time, the clinical significance of this alteration remains unclear.

Literature cited by the submitters: PubMed 25163546 (cited by 3 submitters).